The following is an entry in ClinVar:

NM_005188.4(CBL):c.566T>A (p.Phe189Tyr)

Gene: CBL (Cbl proto-oncogene; plus strand). Cytogenetic location: 11q23.3.
Variant type: single nucleotide variant.
Coding change: c.566T>A on transcript NM_005188.4 (MANE Select); coding-DNA position 566, T replaced by A.
Protein change: p.Phe189Tyr; replaces phenylalanine 189 with tyrosine.
Molecular consequence: missense variant.
Genome position (GRCh38, 1-based): chr11:119,271,857, T>A. VCF-style: chr11-119271857-T-A. GRCh37 (hg19) VCF-style: chr11-119142567-T-A.
Other names: c.566T>A (NM_005188.2); short protein forms F189Y.
Identifiers: ClinVar variation 4914426 (VCV004914426.2).

ClinVar aggregate classification (germline): Uncertain significance. Review status: criteria provided, multiple submitters, no conflicts (2 of 4 stars). 2 submissions from 2 submitters: Uncertain significance (2). Last evaluated 2026-07-19.

Conditions:
Cardiovascular phenotype. Identifiers: MedGen CN230736.

Submissions (2):

Ambry Genetics
Classification: Uncertain significance for Cardiovascular phenotype. Last evaluated: 2026-07-19. Review status: criteria provided, single submitter. Criteria: Ambry Variant Classification Scheme 2023. Collection method: clinical testing. Allele origin: germline.
Comment: The p.F189Y variant (also known as c.566T>A), located in coding exon 3 of the CBL gene, results from a T to A substitution at nucleotide position 566. The phenylalanine at codon 189 is replaced by tyrosine, an amino acid with highly similar properties. This amino acid position is conserved. In addition, this alteration is predicted to be deleterious by in silico analysis. Based on the available evidence, the clinical significance of this variant remains unclear.

Blueprint Genetics
Classification: Uncertain significance. Last evaluated: 2024-10-17. Review status: criteria provided, single submitter. Criteria: ACMG Guidelines, 2015. Collection method: clinical testing. Allele origin: germline.